The following is an entry in ClinVar:

NM_016580.4(PCDH12):c.479T>C (p.Leu160Pro)

Genes: PCDH12 (protocadherin 12; minus strand), RNF14 (ring finger protein 14; plus strand). Cytogenetic location: 5q31.3.
Variant type: single nucleotide variant.
Coding change: c.479T>C on transcript NM_016580.4 (MANE Select); coding-DNA position 479, T replaced by C.
Protein change: p.Leu160Pro; replaces leucine 160 with proline.
Molecular consequence: missense variant.
Genome position (GRCh38, 1-based): chr5:141,957,373, A>G on the plus strand (T>C on the coding strand, the complement: PCDH12 is on the minus strand). VCF-style: chr5-141957373-A-G. GRCh37 (hg19) VCF-style: chr5-141336938-A-G.
Other names: short protein forms L160P.
Identifiers: ClinVar variation 1992063 (VCV001992063.1), dbSNP rs909674402, ClinGen allele CA128481234.
Genomic context (GRCh38, chr5:141,957,373, plus strand): 5'-AAGTGCTCACTGGGAGACAGAGTGTAGGTGTGCAGGGTGTTAGGGCCTGTGTCTGGGTCA[A>G]GAGCTCTGTCCAGGGGGATCCGGGTTCGCAGAGAGGCGCTCTCAGAGATTTCCAGCTCCT-3'
Protein context (NP_057664.1, residues 150-170): LRTRIPLDRA[Leu160Pro]DPDTGPNTLH

ClinVar aggregate classification (germline): Uncertain significance (1 of 4 stars; one submission).

Allele frequency attached by ClinVar (database versions not stated): TOPMed 0.00001; gnomAD exomes 0.00002.
gnomAD v4.1: 24 of 1,613,854 alleles (0.0015%); highest among the groups gnomAD compares: Non-Finnish European, 0.002%; no homozygotes.

Submission:

Labcorp Genetics (formerly Invitae), Labcorp
Classification: Uncertain significance. Last evaluated: 2022-04-11. Review status: criteria provided, single submitter. Criteria: Invitae Variant Classification Sherloc (09022015). Collection method: clinical testing. Allele origin: germline.
Comment: This sequence change replaces leucine, which is neutral and non-polar, with proline, which is neutral and non-polar, at codon 160 of the PCDH12 protein (p.Leu160Pro). This variant is not present in population databases (gnomAD no frequency). This variant has not been reported in the literature in individuals affected with PCDH12-related conditions. Advanced modeling of protein sequence and biophysical properties (such as structural, functional, and spatial information, amino acid conservation, physicochemical variation, residue mobility, and thermodynamic stability) performed at Invitae indicates that this missense variant is not expected to disrupt PCDH12 protein function. In summary, the available evidence is currently insufficient to determine the role of this variant in disease. Therefore, it has been classified as a Variant of Uncertain Significance.